The following is an entry in ClinVar:

ClinVar aggregate classification (germline): Conflicting classifications of pathogenicity. Review status: criteria provided, conflicting classifications (1 of 4 stars). 5 submissions from 5 submitters: Pathogenic (2); Likely pathogenic (2); Uncertain significance (1). Last evaluated 2025-08-29.

Conditions:
FLG-related disorder. Also called: FLG-related disorders; FLG-related condition.

Allele frequency attached by ClinVar (database versions not stated): TOPMed 0.00004; ESP Exome Variant Server 0.00008; gnomAD 0.00009 and 0.00010; gnomAD exomes 0.00009 and 0.00012; ExAC 0.00013.
gnomAD v4.1: 138 of 1,614,014 alleles (0.0086%); highest among the groups gnomAD compares: Non-Finnish European, 0.0093%; no homozygotes.

Submissions (5):

Centre for Clinical Genetics and Genomic Diagnostics, Zealand University Hospital
Classification: Likely pathogenic. Last evaluated: 2025-08-29. Review status: criteria provided, single submitter. Criteria: ACMG Guidelines, 2015. Collection method: clinical testing. Allele origin: germline. Affected: yes.

GeneDx
Classification: Pathogenic. Last evaluated: 2025-07-24. Review status: criteria provided, single submitter. Criteria: GeneDx Variant Classification Process June 2021. Collection method: clinical testing. Allele origin: germline. Affected: yes.
Comment: Nonsense variant predicted to result in protein truncation, as the last 3042 amino acid(s) are lost, and other loss-of-function variants have been reported downstream in HGMD; Reported in two Finnish individuals with atopic dermatitis in published literature (PMID: 27840886); This variant is associated with the following publications: (PMID: 31589614, 32325630, 27840886)

Laboratory of Genetics, Children's Clinical University Hospital Latvia
Classification: Pathogenic. Last evaluated: 2025-02-16. Review status: criteria provided, single submitter. Criteria: ACMG Guidelines, 2015. Collection method: clinical testing. Allele origin: germline. Affected: yes.

Blueprint Genetics
Classification: Likely pathogenic for FLG-related disorders. Last evaluated: 2024-11-08. Review status: criteria provided, single submitter. Criteria: ACMG Guidelines, 2015. Collection method: clinical testing. Allele origin: germline. Affected: yes. Observed: 5 variant alleles.

Institute for Clinical Genetics, University Hospital TU Dresden, University Hospital TU Dresden
Classification: Uncertain significance. Last evaluated: 2022-08-30. Review status: criteria provided, single submitter. Criteria: ACMG Guidelines, 2015. Collection method: clinical testing. Allele origin: germline.

NM_002016.2(FLG):c.3059C>G (p.Ser1020Ter)

Genes: CCDST (cervical cancer associated DHX9 suppressive transcript; plus strand), FLG (filaggrin; minus strand). Cytogenetic location: 1q21.3.
Variant type: single nucleotide variant.
Coding change: c.3059C>G on transcript NM_002016.2 (MANE Select); coding-DNA position 3059, C replaced by G.
Protein change: p.Ser1020Ter; replaces serine 1020 with a stop codon.
Molecular consequence: nonsense.
Genome position (GRCh38, 1-based): chr1:152,311,827, G>C on the plus strand (C>G on the coding strand, the complement: FLG is on the minus strand). VCF-style: chr1-152311827-G-C. GRCh37 (hg19) VCF-style: chr1-152284303-G-C.
Other names: short protein forms S1020*.
Identifiers: ClinVar variation 620185 (VCV000620185.13), dbSNP rs200360684, ClinGen allele CA1106847.